The following is an entry in ClinVar:

ClinVar aggregate classification (germline): Pathogenic. Review status: criteria provided, multiple submitters, no conflicts (2 of 4 stars). 3 submissions from 3 submitters: Pathogenic (3). Last evaluated 2025-07-16.

Conditions:
Gorlin syndrome. Also called: Basal cell nevus syndrome; Nevoid Basal Cell Carcinoma Syndrome. Identifiers: Orphanet 377, MedGen C0004779, MONDO:0007187.

Submissions (3):

GeneDx
Classification: Pathogenic. Last evaluated: 2025-07-16. Review status: criteria provided, single submitter. Criteria: GeneDx Variant Classification Process June 2021. Collection method: clinical testing. Allele origin: germline. Affected: yes.
Comment: Observed within a cohort of individuals with nevoid basal cell carcinoma syndrome, specific clinical details not provided, and reported as 2320insA (PMID: 8981943); Frameshift variant predicted to result in protein truncation or nonsense mediated decay in a gene for which loss of function is a known mechanism of disease; Not observed at significant frequency in large population cohorts (gnomAD); This variant is associated with the following publications: (PMID: 8981943)

Labcorp Genetics (formerly Invitae), Labcorp
Classification: Pathogenic for Gorlin syndrome. Last evaluated: 2022-12-25. Review status: criteria provided, single submitter. Criteria: Invitae Variant Classification Sherloc (09022015). Collection method: clinical testing. Allele origin: germline.
Comment: For these reasons, this variant has been classified as Pathogenic. This sequence change creates a premature translational stop signal (p.Thr778Asnfs*12) in the PTCH1 gene. It is expected to result in an absent or disrupted protein product. Loss-of-function variants in PTCH1 are known to be pathogenic (PMID: 16301862, 16419085). This variant is not present in population databases (gnomAD no frequency). This premature translational stop signal has been observed in individual(s) with nevoid basal cell carcinoma syndrome (PMID: 8981943). ClinVar contains an entry for this variant (Variation ID: 1072729).

CeGaT Center for Human Genetics Tuebingen
Classification: Pathogenic. Last evaluated: 2022-12-01. Review status: criteria provided, single submitter. Criteria: CeGaT Center For Human Genetics Tuebingen Variant Classification Criteria Version 2. Collection method: clinical testing. Allele origin: germline. Affected: yes. Observed: 3 variant alleles.

Literature cited by the submitters: PubMed 16301862 (cited by Labcorp Genetics (formerly Invitae), Labcorp); PubMed 16419085 (cited by Labcorp Genetics (formerly Invitae), Labcorp); PubMed 8981943 (cited by Labcorp Genetics (formerly Invitae), Labcorp).

NM_000264.5(PTCH1):c.2332dup (p.Thr778fs)

Genes: PTCH1 (patched 1; minus strand), LOC100507346 (uncharacterized LOC100507346; plus strand). Cytogenetic location: 9q22.32.
Variant type: Duplication.
Coding change: c.2332dup on transcript NM_000264.5 (MANE Select); coding-DNA position 2332, one base duplicated (A; older notation c.2332dupA).
Protein change: p.Thr778fs; shifts the reading frame from threonine 778.
Molecular consequence: frameshift variant. On other transcripts: non-coding transcript variant (1).
Genome position (GRCh38, 1-based): chr9:95,467,344, T duplicated on the plus strand (A on the coding strand, the reverse complement: PTCH1 is on the minus strand). VCF-style (leftmost placement, unchanged base first): chr9-95467343-G-GT. GRCh37 (hg19) VCF-style: chr9-98229625-G-GT.
Other names: c.2134dup, p.Thr712fs (NM_001083602.3); c.2329dup, p.Thr777fs (NM_001083603.3); c.1879dup, p.Thr627fs (NM_001083604.3, NM_001083605.3, NM_001083606.3 and 1 more transcripts); c.2176dup, p.Thr726fs (NM_001354918.2); short protein forms T627fs, T712fs, T726fs, T777fs, T778fs.
Identifiers: ClinVar variation 1072729 (VCV001072729.40), dbSNP rs2117970002, ClinGen allele CA2499220047.